The following is an entry in ClinVar:

ClinVar aggregate classification (germline): Pathogenic (1 of 4 stars; one submission).

Conditions:
Osteogenesis imperfecta type I (OI1). Also called: Classic Non-deforming Osteogenesis Imperfecta with Blue Sclerae; OI, TYPE I; OSTEOGENESIS IMPERFECTA TARDA; OSTEOGENESIS IMPERFECTA WITH BLUE SCLERAE; Osteogenesis imperfecta type 1; Lobstein's Disease. Identifiers: Orphanet 216796, Orphanet 666, MedGen C0023931, MONDO:0008146, OMIM 166200. Disease mechanism: loss of function.

Submission:

Labcorp Genetics (formerly Invitae), Labcorp
Classification: Pathogenic for Osteogenesis imperfecta type I. Last evaluated: 2024-05-02. Review status: criteria provided, single submitter. Criteria: Invitae Variant Classification Sherloc (09022015). Collection method: clinical testing. Allele origin: germline.
Comment: This sequence change affects a donor splice site in intron 36 of the COL1A1 gene. It is expected to disrupt RNA splicing. Variants that disrupt the donor or acceptor splice site typically lead to a loss of protein function (PMID: 16199547), and loss-of-function variants in COL1A1 are known to be pathogenic (PMID: 7942841, 9295084, 9443882). This variant is not present in population databases (gnomAD no frequency). Disruption of this splice site has been observed in individual(s) with osteogenesis imperfecta type 1 (PMID: 22206639). Algorithms developed to predict the effect of sequence changes on RNA splicing suggest that this variant may disrupt the consensus splice site. For these reasons, this variant has been classified as Pathogenic.

Literature cited by the submitters: PubMed 16199547; PubMed 7942841; PubMed 9295084; PubMed 9443882; PubMed 22206639.

NM_000088.4(COL1A1):c.2559+2T>C

Gene: COL1A1 (collagen type I alpha 1 chain; minus strand). Cytogenetic location: 17q21.33.
Variant type: single nucleotide variant.
Coding change: c.2559+2T>C on transcript NM_000088.4 (MANE Select); the canonical splice donor site of the intron after coding-DNA position 2559, T replaced by C.
Molecular consequence: splice donor variant.
Genome position (GRCh38, 1-based): chr17:50,189,999, A>G on the plus strand (T>C on the coding strand, the complement: COL1A1 is on the minus strand). VCF-style: chr17-50189999-A-G. GRCh37 (hg19) VCF-style: chr17-48267360-A-G.
Identifiers: ClinVar variation 3652021 (VCV003652021.2).
Genomic context (GRCh38, chr17:50,189,999, plus strand): 5'-CCTGGACCCGTCCTGGGTCCCAGCCCACCAGCCTCGTGGGCACAGAGGGCCAAGCCACTC[A>G]CAATGGGGCCAGGGGGTCCAGCGGGTCCGGCAGGGCCAGGGGGACCAGCATCGCCTTTAG-3'